The following is an entry in ClinVar:

ClinVar aggregate classification (germline): Likely pathogenic. Review status: criteria provided, single submitter (1 of 4 stars). 2 submissions from 2 submitters: Likely pathogenic (1). 1 of the submissions does not count toward it. Last evaluated 2021-03-10.

Conditions:
21-Hydroxylase-Deficient Congenital Adrenal Hyperplasia. Also called: ADRENAL HYPERPLASIA III; ADRENAL HYPERPLASIA, CONGENITAL, DUE TO 21-HYDROXYLASE DEFICIENCY. Identifiers: MedGen C2936858, OMIM 201910.
CYP21A2-related disorder. Also called: CYP21A2-related condition.

Allele frequency attached by ClinVar (database versions not stated): gnomAD 0.00001 and 0.00003; ExAC 0.00005.

Submissions (2):

Institute of Medical Genetics and Genomics, Sir Ganga Ram Hospital
Classification: Likely pathogenic for 21-Hydroxylase-Deficient Congenital Adrenal Hyperplasia. Last evaluated: 2021-03-10. Review status: criteria provided, single submitter. Criteria: ACMG Guidelines, 2015. Collection method: clinical testing. Allele origin: germline. Affected: yes. Observed: 2 variant alleles.
Comment: Found in two CAH patients; one had c.1063C>T variant with c.293-13C>G and other had c.1063C>T variant with deletion of CYP21A2 gene

PreventionGenetics, part of Exact Sciences
Classification: Pathogenic for CYP21A2-related condition. Last evaluated: 2024-07-12. Review status: no assertion criteria provided. Collection method: clinical testing. Allele origin: germline. Not counted in ClinVar's aggregate classification.
Comment: The CYP21A2 c.1063C>T variant is predicted to result in the amino acid substitution p.Arg355Cys. This variant has been reported to be associated with salt-wasting (SW) congenital adrenal hyperplasia (CAH) (also known as R354C; Krone et al. 2000. PubMed ID: 10720040; Pallan et al. 2015. PubMed ID: 26172259; Baumgartner-Parzer et al. 2020. PubMed ID: 32616876; Haider et al. 2013. PubMed ID: 23359706). This variant is reported in 0.0086% of alleles in individuals of European (Non-Finnish) descent in gnomAD. This variant falls within a highly paralogous region. Allele frequency data should be interpreted with caution. This variant is interpreted as pathogenic.

Literature cited by the submitters: PubMed 23359698 (cited by Institute of Medical Genetics and Genomics, Sir Ganga Ram Hospital); PubMed 33552137 (cited by Institute of Medical Genetics and Genomics, Sir Ganga Ram Hospital); PubMed 30611409 (cited by Institute of Medical Genetics and Genomics, Sir Ganga Ram Hospital); PubMed 29035424 (cited by Institute of Medical Genetics and Genomics, Sir Ganga Ram Hospital).

NM_000500.9(CYP21A2):c.1063C>T (p.Arg355Cys)

Genes: CYP21A2 (cytochrome P450 family 21 subfamily A member 2; plus strand), LOC106780800 (CYP21A2 recombination region; plus strand). Cytogenetic location: 6p21.33.
Variant type: single nucleotide variant.
Coding change: c.1063C>T on transcript NM_000500.9 (MANE Select); coding-DNA position 1063, C replaced by T.
Protein change: p.Arg355Cys; replaces arginine 355 with cysteine.
Molecular consequence: missense variant.
Genome position (GRCh38, 1-based): chr6:32,040,529, C>T. VCF-style: chr6-32040529-C-T. GRCh37 (hg19) VCF-style: chr6-32008306-C-T.
Other names: p.Arg355Cys; c.973C>T, p.Arg325Cys (NM_001128590.4); c.658C>T, p.Arg220Cys (NM_001368143.2, NM_001368144.2); c.1063C>T (NM_000500.7); short protein forms R220C, R325C, R355C.
Identifiers: ClinVar variation 1675313 (VCV001675313.4), dbSNP rs772900496, ClinGen allele CA3732624.